The following is an entry in ClinVar:

ClinVar aggregate classification (germline): Uncertain significance (1 of 4 stars; one submission).

Submission:

Labcorp Genetics (formerly Invitae), Labcorp
Classification: Uncertain significance. Last evaluated: 2022-06-20. Review status: criteria provided, single submitter. Criteria: Invitae Variant Classification Sherloc (09022015). Collection method: clinical testing. Allele origin: germline.
Comment: A copy number gain of the genomic region encompassing the full coding sequence of the C2CD3 gene has been identified. The boundaries of this event are unknown as they extend beyond the assayed region for this gene and therefore may encompass additional genes. As the precise location of this event is unknown, it may be in tandem or it may be located elsewhere in the genome. This variant has not been reported in the literature in individuals affected with C2CD3-related conditions. In summary, the available evidence is currently insufficient to determine the role of this variant in disease. Therefore, it has been classified as a Variant of Uncertain Significance.

NC_000011.9:g.(?_73745643)_(73881837_?)dup

Gene: C2CD3 (C2 domain containing 3 centriole elongation regulator; minus strand). Cytogenetic location: 11q13.4.
Variant type: Duplication.
Identifiers: ClinVar variation 1433736 (VCV001433736.4).